The following is an entry in ClinVar:

NM_001197104.2(KMT2A):c.6911C>G (p.Ser2304Cys)

Gene: KMT2A (lysine methyltransferase 2A; plus strand). Cytogenetic location: 11q23.3.
Variant type: single nucleotide variant.
Coding change: c.6911C>G on transcript NM_001197104.2 (MANE Select); coding-DNA position 6911, C replaced by G.
Protein change: p.Ser2304Cys; replaces serine 2304 with cysteine.
Molecular consequence: missense variant.
Genome position (GRCh38, 1-based): chr11:118,502,803, C>G. VCF-style: chr11-118502803-C-G. GRCh37 (hg19) VCF-style: chr11-118373518-C-G.
Other names: c.7001C>G, p.Ser2334Cys (NM_001412597.1); c.6902C>G, p.Ser2301Cys (NM_005933.4); short protein forms S2301C, S2334C, S2304C.
Identifiers: ClinVar variation 2001163 (VCV002001163.4), dbSNP rs1565302475, ClinGen allele CA382803538.

ClinVar aggregate classification (germline): Uncertain significance (1 of 4 stars; one submission).

Allele frequency attached by ClinVar (database versions not stated): gnomAD exomes below 0.00001.
gnomAD v4.1: 2 of 1,614,144 alleles (0.00012%); highest among the groups gnomAD compares: South Asian, 0.0022%; no homozygotes.

Submission:

Labcorp Genetics (formerly Invitae), Labcorp
Classification: Uncertain significance. Last evaluated: 2022-05-30. Review status: criteria provided, single submitter. Criteria: Invitae Variant Classification Sherloc (09022015). Collection method: clinical testing. Allele origin: germline.
Comment: This sequence change replaces serine, which is neutral and polar, with cysteine, which is neutral and slightly polar, at codon 2304 of the KMT2A protein (p.Ser2304Cys). This variant is not present in population databases (gnomAD no frequency). This variant has not been reported in the literature in individuals affected with KMT2A-related conditions. Advanced modeling of protein sequence and biophysical properties (such as structural, functional, and spatial information, amino acid conservation, physicochemical variation, residue mobility, and thermodynamic stability) performed at Invitae indicates that this missense variant is not expected to disrupt KMT2A protein function. In summary, the available evidence is currently insufficient to determine the role of this variant in disease. Therefore, it has been classified as a Variant of Uncertain Significance.